The following is an entry in ClinVar:

ClinVar aggregate classification (germline): Likely benign (0 of 4 stars; one submission).

Conditions:
ALG5-related disorder. Also called: ALG5-related condition.

Allele frequency attached by ClinVar (database versions not stated): ESP Exome Variant Server 0.00008; gnomAD exomes 0.00011; 1000 Genomes Project 30x 0.00016; ExAC 0.00016; 1000 Genomes Project 0.00020.
gnomAD v4.1: 181 of 1,613,836 alleles (0.011%); highest among the groups gnomAD compares: East Asian, 0.013%; no homozygotes.

Submission:

PreventionGenetics, part of Exact Sciences
Classification: Likely benign for ALG5-related condition. Last evaluated: 2023-10-04. Review status: no assertion criteria provided. Collection method: clinical testing. Allele origin: germline.
Comment: This variant is classified as likely benign based on ACMG/AMP sequence variant interpretation guidelines (Richards et al. 2015 PMID: 25741868, with internal and published modifications).

NM_013338.5(ALG5):c.747G>A (p.Thr249=)

Gene: ALG5 (ALG5 dolichyl-phosphate beta-glucosyltransferase; minus strand). Cytogenetic location: 13q13.3.
Variant type: single nucleotide variant.
Coding change: c.747G>A on transcript NM_013338.5 (MANE Select); coding-DNA position 747, G replaced by A.
Protein change: p.Thr249=; no amino-acid change (threonine 249 retained).
Molecular consequence: synonymous variant.
Genome position (GRCh38, 1-based): chr13:36,965,601, C>T on the plus strand (G>A on the coding strand, the complement: ALG5 is on the minus strand). VCF-style: chr13-36965601-C-T. GRCh37 (hg19) VCF-style: chr13-37539738-C-T.
Other names: c.657G>A, p.Thr219= (NM_001142364.1).
Identifiers: ClinVar variation 3031698 (VCV003031698.2), dbSNP rs148246994, ClinGen allele CA6950758.
Genomic context (GRCh38, chr13:36,965,601, plus strand): 5'-AGACAGACTGGATACATTCCAGTCAGAAACCTACCATCGTTCAACGTGTAGAGATGAAAA[C>T]GTCCGTGAAGCTGCTTCTCGAGTAAATAATTTGAACCCACACTGTGTGTCCCTGATTCCT-3'
Protein context (NP_037470.1, residues 239-259): KLFTREAASR[Thr249=]FSSLHVERWA